The following is an entry in ClinVar:

NM_001163435.3(TBCK):c.783-11A>G

Gene: TBCK (TBC1 domain containing kinase; minus strand). Cytogenetic location: 4q24.
Variant type: single nucleotide variant.
Coding change: c.783-11A>G on transcript NM_001163435.3 (MANE Select); 11 bases into the intron before coding-DNA position 783, A replaced by G.
Molecular consequence: intron variant.
Genome position (GRCh38, 1-based): chr4:106,247,298, T>C on the plus strand (A>G on the coding strand, the complement: TBCK is on the minus strand). VCF-style: chr4-106247298-T-C. GRCh37 (hg19) VCF-style: chr4-107168455-T-C.
Other names: c.783-11A>G (NM_001163436.4); c.594-11A>G (NM_033115.5); c.666-11A>G (NM_001163437.3); c.267-11A>G (NM_001290768.2).
Identifiers: ClinVar variation 1373156 (VCV001373156.6), dbSNP rs1186457402, ClinGen allele CA553627102.

ClinVar aggregate classification (germline): Uncertain significance (1 of 4 stars; one submission).

Allele frequency attached by ClinVar (database versions not stated): gnomAD exomes below 0.00001.
gnomAD v4.1: 2 of 1,609,478 alleles (0.00012%); highest among the groups gnomAD compares: Non-Finnish European, 0.00017%; no homozygotes.

Submission:

Labcorp Genetics (formerly Invitae), Labcorp
Classification: Uncertain significance. Last evaluated: 2024-02-23. Review status: criteria provided, single submitter. Criteria: Invitae Variant Classification Sherloc (09022015). Collection method: clinical testing. Allele origin: germline.
Comment: This sequence change falls in intron 9 of the TBCK gene. It does not directly change the encoded amino acid sequence of the TBCK protein. The frequency data for this variant in the population databases is considered unreliable, as metrics indicate poor data quality at this position in the gnomAD database. This variant has not been reported in the literature in individuals affected with TBCK-related conditions. ClinVar contains an entry for this variant (Variation ID: 1373156). Algorithms developed to predict the effect of sequence changes on RNA splicing suggest that this variant may disrupt the consensus splice site. In summary, the available evidence is currently insufficient to determine the role of this variant in disease. Therefore, it has been classified as a Variant of Uncertain Significance.